The following is an entry in ClinVar:

ClinVar aggregate classification (germline): Likely pathogenic. Review status: criteria provided, multiple submitters, no conflicts (2 of 4 stars). 3 submissions from 3 submitters: Likely pathogenic (3). Last evaluated 2026-01-21.

Conditions:
Developmental and epileptic encephalopathy, 2 (DEE2). Also called: CDKL5 deficiency disorder; INFANTILE SPASM SYNDROME, X-LINKED 2. Identifiers: Orphanet 1934, Orphanet 3451, Orphanet 505652, MedGen C4750718, MONDO:0010396, OMIM 300672.
Angelman syndrome-like. Identifiers: MedGen CN128785.
CDKL5 disorder. Identifiers: MedGen CN296942, MONDO:0100039.

Submissions (3):

Labcorp Genetics (formerly Invitae), Labcorp
Classification: Likely pathogenic for Developmental and epileptic encephalopathy, 2; Angelman syndrome-like. Last evaluated: 2026-01-21. Review status: criteria provided, single submitter. Criteria: Invitae Variant Classification Sherloc (09022015). Collection method: clinical testing. Allele origin: germline.
Comment: This sequence change falls in intron 18 of the CDKL5 gene. It does not directly change the encoded amino acid sequence of the CDKL5 protein. This variant is not present in population databases (gnomAD no frequency). This variant has been observed in individual(s) with CDKL5-related epileptic encephalopathy (external communication). In at least one individual the variant was observed to be de novo. This variant is also known as NM_001323289.2:c.911G>A (p.W911X). ClinVar contains an entry for this variant (Variation ID: 3602053). Algorithms developed to predict the effect of sequence changes on RNA splicing suggest that this variant is not likely to affect RNA splicing. In summary, the currently available evidence indicates that the variant is pathogenic, but additional data are needed to prove that conclusively. Therefore, this variant has been classified as Likely Pathogenic.

Centre for Population Genomics, CPG
Classification: Likely pathogenic for CDKL5 disorder. Last evaluated: 2025-01-08. Review status: criteria provided, single submitter. Criteria: McKnight et al. (Hum Mutat. 2022). Collection method: curation. Allele origin: germline. Inheritance: X-linked inheritance.
Comment: Based on the classification scheme defined by the ClinGen Rett/Angelman-like Expert Panel for Rett/AS-like Disorders Specifications to the ACMG/AMP Variant Interpretation Guidelines VCEP 3.0, this variant is classified as likely pathogenic. At least the following criteria are met:Predicted to result in loss of function, and LOF is a known mechanism of disease (PVS1). This variant is absent from gnomAD (PM2_Supporting).

3billion
Classification: Likely pathogenic for Developmental and epileptic encephalopathy, 2. Last evaluated: 2024-10-16. Review status: criteria provided, single submitter. Criteria: ACMG Guidelines, 2015. Collection method: clinical testing. Allele origin: germline. Affected: yes.
Comment: The variant is not observed in the gnomAD v4.1.0 dataset. Predicted Consequence/Location: Stop-gained (nonsense): predicted to result in a loss or disruption of normal protein function through protein truncation. The predicted truncated protein may be shortened by less than 10%. Therefore, this variant is classified as Likely pathogenic according to the recommendation of ACMG/AMP guideline.

NM_001323289.2(CDKL5):c.2732G>A (p.Trp911Ter)

Gene: CDKL5 (cyclin dependent kinase like 5; plus strand). Cytogenetic location: Xp22.13.
Variant type: single nucleotide variant.
Coding change: c.2732G>A on transcript NM_001323289.2 (MANE Select); coding-DNA position 2732, G replaced by A.
Protein change: p.Trp911Ter; replaces tryptophan 911 with a stop codon.
Molecular consequence: nonsense. On other transcripts: intron variant (2).
Genome position (GRCh38, 1-based): chrX:18,628,606, G>A. VCF-style: chrX-18628606-G-A. GRCh37 (hg19) VCF-style: chrX-18646726-G-A.
Other names: NM_003159.3:c.2713+19G>A; c.2713+19G>A (NM_003159.3, NM_001037343.2); short protein forms W911*.
Identifiers: ClinVar variation 3602053 (VCV003602053.3).